The following is an entry in ClinVar:

ClinVar aggregate classification (germline): Likely benign. Review status: criteria provided, multiple submitters, no conflicts (2 of 4 stars). 7 submissions from 7 submitters: Likely benign (7). Last evaluated 2025-10-27.

Conditions:
Cardiovascular phenotype. Identifiers: MedGen CN230736.
Cardiomyopathy (CMYO). Also called: Cardiomyopathies. Identifiers: Orphanet 167848, MedGen C0878544, MONDO:0004994, HP:0001638. Inheritance: Various modes of inheritance.
Hypertrophic cardiomyopathy. Also called: HYPERTROPHIC MYOCARDIOPATHY. Identifiers: Orphanet 217569, MedGen C0007194, MeSH D002312, MONDO:0005045, HP:0001639.

Allele frequency attached by ClinVar (database versions not stated): gnomAD exomes below 0.00001 and 0.00001; ExAC 0.00001; gnomAD 0.00001; TOPMed 0.00001.
gnomAD v4.1: 5 of 1,613,648 alleles (0.00031%); highest among the groups gnomAD compares: African/African-American, 0.0013%; no homozygotes.

Submissions (7):

Labcorp Genetics (formerly Invitae), Labcorp
Classification: Likely benign for Hypertrophic cardiomyopathy. Last evaluated: 2025-10-27. Review status: criteria provided, single submitter. Criteria: Invitae Variant Classification Sherloc (09022015). Collection method: clinical testing. Allele origin: germline.

All of Us Research Program, National Institutes of Health
Classification: Likely benign for Hypertrophic cardiomyopathy. Last evaluated: 2023-11-20. Review status: criteria provided, single submitter. Criteria: ACMG Guidelines, 2015. Collection method: clinical testing. Allele origin: germline. Inheritance: Autosomal dominant inheritance. Observed: 2 variant alleles, 2 heterozygotes.
Comment: This study involves interpretation of variants in research participants for the purpose of population health screening. Participant phenotype was not available at the time of variant classification. Additional details can be found in publication PMID: 35346344, PMCID: PMC8962531

Ambry Genetics
Classification: Likely benign for Cardiovascular phenotype. Last evaluated: 2020-11-24. Review status: criteria provided, single submitter. Criteria: Ambry Variant Classification Scheme 2023. Collection method: clinical testing. Allele origin: germline.

Molecular Diagnostic Laboratory for Inherited Cardiovascular Disease, Montreal Heart Institute
Classification: Likely benign. Last evaluated: 2020-05-28. Review status: criteria provided, single submitter. Criteria: ACMG Guidelines, 2015. Collection method: clinical testing. Allele origin: germline. Affected: yes.

Color Diagnostics, LLC DBA Color Health
Classification: Likely benign for Cardiomyopathy. Last evaluated: 2019-02-25. Review status: criteria provided, single submitter. Criteria: ACMG Guidelines, 2015. Collection method: clinical testing. Allele origin: germline.

GeneDx
Classification: Likely benign. Last evaluated: 2018-02-19. Review status: criteria provided, single submitter. Criteria: GeneDx Variant Classification (06012015). Collection method: clinical testing. Allele origin: germline. Affected: yes.
Comment: This variant is considered likely benign or benign based on one or more of the following criteria: it is a conservative change, it occurs at a poorly conserved position in the protein, it is predicted to be benign by multiple in silico algorithms, and/or has population frequency not consistent with disease.

Laboratory for Molecular Medicine, Mass General Brigham Personalized Medicine
Classification: Likely benign. Last evaluated: 2015-03-10. Review status: criteria provided, single submitter. Criteria: LMM Criteria. Collection method: clinical testing. Allele origin: germline. Observed: 1 variant allele.
Comment: p.His648His in exon 21 of MYBPC3: This variant is not expected to have clinical significance because it does not alter an amino acid residue and is not located within the splice consensus sequence. It has been identified in 1/8624 East Asia n chromosomes by the Exome Aggregation Consortium (ExAC).

NM_000256.3(MYBPC3):c.1944C>T (p.His648=)

Gene: MYBPC3 (myosin binding protein C3; minus strand). Cytogenetic location: 11p11.2.
Variant type: single nucleotide variant.
Coding change: c.1944C>T on transcript NM_000256.3 (MANE Select); coding-DNA position 1944, C replaced by T.
Protein change: p.His648=; no amino-acid change (histidine 648 retained).
Molecular consequence: synonymous variant.
Genome position (GRCh38, 1-based): chr11:47,339,774, G>A on the plus strand (C>T on the coding strand, the complement: MYBPC3 is on the minus strand). VCF-style: chr11-47339774-G-A. GRCh37 (hg19) VCF-style: chr11-47361325-G-A.
Identifiers: ClinVar variation 227564 (VCV000227564.18), dbSNP rs750861887, ClinGen allele CA078440.